The following is an entry in ClinVar:

ClinVar aggregate classification (germline): Conflicting classifications of pathogenicity. Review status: criteria provided, conflicting classifications (1 of 4 stars). 2 submissions from 2 submitters: Pathogenic (1); Uncertain significance (1). Last evaluated 2023-02-23.

Conditions:
SH2D1A-related disorder. Also called: SH2D1A-related condition.
X-linked lymphoproliferative disease due to SH2D1A deficiency (XLP1). Also called: SH2D1A-Related Lymphoproliferative Disease, X-Linked; EBV infection severe susceptibility to; Epstein Barr virus infection familial fatal; Duncan's syndrome; DUNCAN DISEASE; IMMUNODEFICIENCY 5. Identifiers: Orphanet 2442, Orphanet 538931, MedGen C5399825, MONDO:0024551, OMIM 308240.

Submissions (2):

3billion
Classification: Uncertain significance for X-linked lymphoproliferative disease due to SH2D1A deficiency. Last evaluated: 2023-02-23. Review status: criteria provided, single submitter. Criteria: ACMG Guidelines, 2015. Collection method: clinical testing. Allele origin: unknown. Affected: yes.
Comment: The variant is not observed in the gnomAD v2.1.1 dataset. In silico tool predictions suggest damaging effect of the variant on gene or gene product (REVEL: 0.87; 3Cnet: 0.70). Same nucleotide change resulting in same amino acid change has been previously reported to be associated with SH2D1A related disorder (PMID: 10549287). However, the evidence of pathogenicity is insufficient at this time. Therefore, this variant is classified as VUS according to the recommendation of ACMG/AMP guideline.

Blueprint Genetics
Classification: Pathogenic for SH2D1A-related disorders. Last evaluated: 2020-04-10. Review status: criteria provided, single submitter. Criteria: ACMG Guidelines, 2015. Collection method: clinical testing. Allele origin: germline. Affected: yes. Observed: 4 variant alleles.

Literature cited by the submitters: PubMed 10549287 (cited by 3billion).

NM_002351.5(SH2D1A):c.158C>T (p.Thr53Ile)

Gene: SH2D1A (SH2 domain containing 1A; plus strand). Cytogenetic location: Xq25.
Variant type: single nucleotide variant.
Coding change: c.158C>T on transcript NM_002351.5 (MANE Select); coding-DNA position 158, C replaced by T.
Protein change: p.Thr53Ile; replaces threonine 53 with isoleucine.
Molecular consequence: missense variant.
Genome position (GRCh38, 1-based): chrX:124,365,781, C>T. VCF-style: chrX-124365781-C-T. GRCh37 (hg19) VCF-style: chrX-123499631-C-T.
Other names: c.158C>T, p.Thr53Ile (NM_001114937.3); short protein forms T53I.
Identifiers: ClinVar variation 2444355 (VCV002444355.2), dbSNP rs2522814903, ClinGen allele CA414123480.